The following is an entry in ClinVar:

ClinVar aggregate classification (germline): Uncertain significance. Review status: criteria provided, multiple submitters, no conflicts (2 of 4 stars). 2 submissions from 2 submitters: Uncertain significance (2). Last evaluated 2024-11-18.

Allele frequency attached by ClinVar (database versions not stated): ExAC 0.00001; gnomAD 0.00004; TOPMed 0.00004.
gnomAD v4.1: 12 of 1,613,406 alleles (0.00074%); highest among the groups gnomAD compares: Middle Eastern, 0.016%; no homozygotes.

Submissions (2):

Ambry Genetics
Classification: Uncertain significance. Last evaluated: 2024-11-18. Review status: criteria provided, single submitter. Criteria: Ambry Variant Classification Scheme 2023. Collection method: clinical testing. Allele origin: germline.
Comment: The p.S753C variant (also known as c.2258C>G), located in coding exon 13 of the GEN1 gene, results from a C to G substitution at nucleotide position 2258. The serine at codon 753 is replaced by cysteine, an amino acid with dissimilar properties. This amino acid position is conserved. In addition, this alteration is predicted to be tolerated by in silico analysis. Based on the available evidence, the clinical significance of this variant remains unclear.

Labcorp Genetics (formerly Invitae), Labcorp
Classification: Uncertain significance. Last evaluated: 2024-05-14. Review status: criteria provided, single submitter. Criteria: Invitae Variant Classification Sherloc (09022015). Collection method: clinical testing. Allele origin: germline.
Comment: This sequence change replaces serine, which is neutral and polar, with cysteine, which is neutral and slightly polar, at codon 753 of the GEN1 protein (p.Ser753Cys). This variant is present in population databases (rs777649457, gnomAD 0.008%). This variant has not been reported in the literature in individuals affected with GEN1-related conditions. ClinVar contains an entry for this variant (Variation ID: 2187145). An algorithm developed to predict the effect of missense changes on protein structure and function (PolyPhen-2) suggests that this variant is likely to be tolerated. In summary, the available evidence is currently insufficient to determine the role of this variant in disease. Therefore, it has been classified as a Variant of Uncertain Significance.

NM_001130009.3(GEN1):c.2258C>G (p.Ser753Cys)

Gene: GEN1 (GEN1 structure-specific endonuclease; plus strand). Cytogenetic location: 2p24.2.
Variant type: single nucleotide variant.
Coding change: c.2258C>G on transcript NM_001130009.3 (MANE Select); coding-DNA position 2258, C replaced by G.
Protein change: p.Ser753Cys; replaces serine 753 with cysteine.
Molecular consequence: missense variant.
Genome position (GRCh38, 1-based): chr2:17,781,470, C>G. VCF-style: chr2-17781470-C-G. GRCh37 (hg19) VCF-style: chr2-17962737-C-G.
Other names: c.2258C>G, p.Ser753Cys (NM_182625.5); c.2258C>G (NM_001130009.1); short protein forms S753C.
Identifiers: ClinVar variation 2187145 (VCV002187145.5), dbSNP rs777649457, ClinGen allele CA1540925.